The following is an entry in ClinVar:

NM_001130438.3(SPTAN1):c.2548A>G (p.Met850Val)

Gene: SPTAN1 (spectrin alpha, non-erythrocytic 1; plus strand). Cytogenetic location: 9q34.11.
Variant type: single nucleotide variant.
Coding change: c.2548A>G on transcript NM_001130438.3 (MANE Select); coding-DNA position 2548, A replaced by G.
Protein change: p.Met850Val; replaces methionine 850 with valine.
Molecular consequence: missense variant.
Genome position (GRCh38, 1-based): chr9:128,584,831, A>G. VCF-style: chr9-128584831-A-G. GRCh37 (hg19) VCF-style: chr9-131347110-A-G.
Other names: c.2548A>G, p.Met850Val (NM_001195532.2, NM_001363759.2, NM_001363765.2 and 5 more transcripts); c.2584A>G, p.Met862Val (NM_001375312.2, NM_001375318.1); short protein forms M850V, M862V.
Identifiers: ClinVar variation 1472457 (VCV001472457.11), dbSNP rs371776794, ClinGen allele CA5264660.

ClinVar aggregate classification (germline): Conflicting classifications of pathogenicity. Review status: criteria provided, conflicting classifications (1 of 4 stars). 2 submissions from 2 submitters: Uncertain significance (1); Likely benign (1). Last evaluated 2025-02-19.

Conditions:
Early-infantile DEE. Also called: Ohtahara syndrome; Early infantile epileptic encephalopathy with suppression bursts; Early infantile epileptic encephalopathy. Identifiers: Orphanet 1934, MedGen C0393706, MONDO:0800491.
Inborn genetic diseases. Identifiers: MedGen C0950123, MeSH D030342.

Allele frequency attached by ClinVar (database versions not stated): gnomAD exomes below 0.00001; ExAC 0.00001; ESP Exome Variant Server 0.00015.
gnomAD v4.1: 1 of 1,614,054 alleles (0.000062%); highest among the groups gnomAD compares: African/African-American, 0.0013%; no homozygotes.

Submissions (2):

Labcorp Genetics (formerly Invitae), Labcorp
Classification: Uncertain significance for Early-infantile DEE. Last evaluated: 2025-02-19. Review status: criteria provided, single submitter. Criteria: Invitae Variant Classification Sherloc (09022015). Collection method: clinical testing. Allele origin: germline.
Comment: This sequence change replaces methionine, which is neutral and non-polar, with valine, which is neutral and non-polar, at codon 850 of the SPTAN1 protein (p.Met850Val). This variant is present in population databases (rs371776794, gnomAD 0.0009%). This missense change has been observed in individual(s) with clinical features of SPTAN1-related conditions (internal data). ClinVar contains an entry for this variant (Variation ID: 1472457). Invitae Evidence Modeling of protein sequence and biophysical properties (such as structural, functional, and spatial information, amino acid conservation, physicochemical variation, residue mobility, and thermodynamic stability) has been performed for this missense variant. However, the output from this modeling did not meet the statistical confidence thresholds required to predict the impact of this variant on SPTAN1 protein function. In summary, the available evidence is currently insufficient to determine the role of this variant in disease. Therefore, it has been classified as a Variant of Uncertain Significance.

Ambry Genetics
Classification: Likely benign for Inborn genetic diseases. Last evaluated: 2019-06-25. Review status: criteria provided, single submitter. Criteria: Ambry Variant Classification Scheme 2023. Collection method: clinical testing. Allele origin: germline.